The following is an entry in ClinVar:

NM_017654.4(SAMD9):c.1027G>T (p.Val343Leu)

Gene: SAMD9 (sterile alpha motif domain containing 9; minus strand). Cytogenetic location: 7q21.2.
Variant type: single nucleotide variant.
Coding change: c.1027G>T on transcript NM_017654.4 (MANE Select); coding-DNA position 1027, G replaced by T.
Protein change: p.Val343Leu; replaces valine 343 with leucine.
Molecular consequence: missense variant.
Genome position (GRCh38, 1-based): chr7:93,105,071, C>A on the plus strand (G>T on the coding strand, the complement: SAMD9 is on the minus strand). VCF-style: chr7-93105071-C-A. GRCh37 (hg19) VCF-style: chr7-92734384-C-A.
Other names: c.1027G>T, p.Val343Leu (NM_001193307.2); short protein forms V343L.
Identifiers: ClinVar variation 3792100 (VCV003792100.1).
Genomic context (GRCh38, chr7:93,105,071, plus strand): 5'-TAAATGCTCTGAAATCAACTTTATTTTTCGTAATGTCCTTAGAGCTGGTCCCATCTCGCA[C>A]AAATAGTGAGAATTTTTTACTTTGTTCCCATATTTTGTTGTTGTAATTTTGCATTTTAAT-3'
Protein context (NP_060124.2, residues 333-353): WEQSKKFSLF[Val343Leu]RDGTSSKDIT

ClinVar aggregate classification (germline): Uncertain significance (1 of 4 stars; one submission).

Conditions:
Inborn genetic diseases. Identifiers: MedGen C0950123, MeSH D030342.

Submission:

Ambry Genetics
Classification: Uncertain significance for Inborn genetic diseases. Last evaluated: 2025-02-16. Review status: criteria provided, single submitter. Criteria: Ambry Variant Classification Scheme 2023. Collection method: clinical testing. Allele origin: germline.
Comment: The p.V343L variant (also known as c.1027G>T), located in coding exon 1 of the SAMD9 gene, results from a G to T substitution at nucleotide position 1027. The valine at codon 343 is replaced by leucine, an amino acid with highly similar properties. This amino acid position is conserved. In addition, this alteration is predicted to be tolerated by in silico analysis. Based on the available evidence, the clinical significance of this variant remains unclear.